The following is an entry in ClinVar:

ClinVar aggregate classification (germline): Uncertain significance (1 of 4 stars; one submission).

Conditions:
Leber congenital amaurosis 6 (LCA6). Identifiers: Orphanet 65, MedGen C1854260, MONDO:0013446, OMIM 613826.
Cone-rod dystrophy 13 (CORD13). Identifiers: Orphanet 1872, MedGen C2750720, MONDO:0011987, OMIM 608194.

Allele frequency attached by ClinVar (database versions not stated): gnomAD exomes 0.00001.
gnomAD v4.1: 20 of 1,591,746 alleles (0.0013%); highest among the groups gnomAD compares: Non-Finnish European, 0.0017%; no homozygotes.

Submission:

Labcorp Genetics (formerly Invitae), Labcorp
Classification: Uncertain significance for Leber congenital amaurosis 6; Cone-rod dystrophy 13. Last evaluated: 2025-04-21. Review status: criteria provided, single submitter. Criteria: Invitae Variant Classification Sherloc (09022015). Collection method: clinical testing. Allele origin: germline.
Comment: This sequence change replaces alanine, which is neutral and non-polar, with glycine, which is neutral and non-polar, at codon 153 of the RPGRIP1 protein (p.Ala153Gly). This variant is not present in population databases (gnomAD no frequency). This variant has not been reported in the literature in individuals affected with RPGRIP1-related conditions. ClinVar contains an entry for this variant (Variation ID: 958426). Invitae Evidence Modeling of protein sequence and biophysical properties (such as structural, functional, and spatial information, amino acid conservation, physicochemical variation, residue mobility, and thermodynamic stability) has been performed for this missense variant. However, the output from this modeling did not meet the statistical confidence thresholds required to predict the impact of this variant on RPGRIP1 protein function. In summary, the available evidence is currently insufficient to determine the role of this variant in disease. Therefore, it has been classified as a Variant of Uncertain Significance.

NM_020366.4(RPGRIP1):c.458C>G (p.Ala153Gly)

Gene: RPGRIP1 (RPGR interacting protein 1; plus strand). Cytogenetic location: 14q11.2.
Variant type: single nucleotide variant.
Coding change: c.458C>G on transcript NM_020366.4 (MANE Select); coding-DNA position 458, C replaced by G.
Protein change: p.Ala153Gly; replaces alanine 153 with glycine.
Molecular consequence: missense variant.
Genome position (GRCh38, 1-based): chr14:21,301,205, C>G. VCF-style: chr14-21301205-C-G. GRCh37 (hg19) VCF-style: chr14-21769364-C-G.
Other names: short protein forms A153G.
Identifiers: ClinVar variation 958426 (VCV000958426.7), dbSNP rs1881013380, ClinGen allele CA388859310.